The following is an entry in ClinVar:

ClinVar aggregate classification (germline): Uncertain significance. Review status: criteria provided, multiple submitters, no conflicts (2 of 4 stars). 2 submissions from 2 submitters: Uncertain significance (2). Last evaluated 2025-11-09.

Conditions:
Inborn genetic diseases. Identifiers: MedGen C0950123, MeSH D030342.

Allele frequency attached by ClinVar (database versions not stated): gnomAD exomes below 0.00001; gnomAD 0.00001; ExAC 0.00002; TOPMed 0.00002; ESP Exome Variant Server 0.00008.
gnomAD v4.1: 4 of 1,612,624 alleles (0.00025%); highest among the groups gnomAD compares: Middle Eastern, 0.016%; no homozygotes.

Submissions (2):

Labcorp Genetics (formerly Invitae), Labcorp
Classification: Uncertain significance. Last evaluated: 2025-11-09. Review status: criteria provided, single submitter. Criteria: Invitae Variant Classification Sherloc (09022015). Collection method: clinical testing. Allele origin: germline.
Comment: This sequence change replaces methionine, which is neutral and non-polar, with valine, which is neutral and non-polar, at codon 798 of the TNNI3K protein (p.Met798Val). This variant is present in population databases (rs377332604, gnomAD 0.002%). This variant has not been reported in the literature in individuals affected with TNNI3K-related conditions. ClinVar contains an entry for this variant (Variation ID: 1936008). An algorithm developed to predict the effect of missense changes on protein structure and function outputs the following: PolyPhen-2: "Benign". The valine amino acid residue is found in multiple mammalian species, which suggests that this missense change does not adversely affect protein function. In summary, the available evidence is currently insufficient to determine the role of this variant in disease. Therefore, it has been classified as a Variant of Uncertain Significance.

Ambry Genetics
Classification: Uncertain significance for Inborn genetic diseases. Last evaluated: 2023-11-13. Review status: criteria provided, single submitter. Criteria: Ambry Variant Classification Scheme 2023. Collection method: clinical testing. Allele origin: germline.

NM_015978.3(TNNI3K):c.2392A>G (p.Met798Val)

Genes: FPGT-TNNI3K (FPGT-TNNI3K readthrough; plus strand), TNNI3K (TNNI3 interacting kinase; plus strand). Cytogenetic location: 1p31.1.
Variant type: single nucleotide variant.
Coding change: c.2392A>G on transcript NM_015978.3 (MANE Select); coding-DNA position 2392, A replaced by G.
Protein change: p.Met798Val; replaces methionine 798 with valine.
Molecular consequence: missense variant.
Genome position (GRCh38, 1-based): chr1:74,540,274, A>G. VCF-style: chr1-74540274-A-G. GRCh37 (hg19) VCF-style: chr1-75005958-A-G.
Other names: c.2695A>G, p.Met899Val (NM_001112808.3); short protein forms M798V, M899V.
Identifiers: ClinVar variation 1936008 (VCV001936008.6), dbSNP rs377332604, ClinGen allele CA909888.